The following is an entry in ClinVar:

NM_058004.4(PI4KA):c.2166C>T (p.Asp722=)

Gene: PI4KA (phosphatidylinositol 4-kinase alpha; minus strand). Cytogenetic location: 22q11.21.
Variant type: single nucleotide variant.
Coding change: c.2166C>T on transcript NM_058004.4 (MANE Select); coding-DNA position 2166, C replaced by T.
Protein change: p.Asp722=; no amino-acid change (aspartic acid 722 retained).
Molecular consequence: synonymous variant.
Genome position (GRCh38, 1-based): chr22:20,796,257, G>A on the plus strand (C>T on the coding strand, the complement: PI4KA is on the minus strand). VCF-style: chr22-20796257-G-A. GRCh37 (hg19) VCF-style: chr22-21150545-G-A.
Other names: c.2166C>T, p.Asp722= (NM_001362862.2); c.2100C>T, p.Asp700= (NM_001362863.2).
Identifiers: ClinVar variation 2672896 (VCV002672896.23), dbSNP rs371937790, ClinGen allele CA10116219.

ClinVar aggregate classification (germline): Likely benign (1 of 4 stars; one submission).

Allele frequency attached by ClinVar (database versions not stated): ESP Exome Variant Server 0.00008; gnomAD exomes 0.00013; gnomAD 0.00017; ExAC 0.00019; TOPMed 0.00020.
gnomAD v4.1: 216 of 1,613,968 alleles (0.013%); highest among the groups gnomAD compares: Middle Eastern, 0.033%; no homozygotes.

Submission:

CeGaT Center for Human Genetics Tuebingen
Classification: Likely benign. Last evaluated: 2023-10-01. Review status: criteria provided, single submitter. Criteria: CeGaT Center For Human Genetics Tuebingen Variant Classification Criteria Version 2. Collection method: clinical testing. Allele origin: germline. Affected: yes. Observed: 1 variant allele.
Comment: PI4KA: BP4, BP7